The following is an entry in ClinVar:

NM_000044.6(AR):c.2421C>A (p.Cys807Ter)

Gene: AR (androgen receptor; plus strand). Cytogenetic location: Xq12.
Variant type: single nucleotide variant.
Coding change: c.2421C>A on transcript NM_000044.6 (MANE Select); coding-DNA position 2421, C replaced by A.
Protein change: p.Cys807Ter; replaces cysteine 807 with a stop codon.
Molecular consequence: nonsense.
Genome position (GRCh38, 1-based): chrX:67,721,935, C>A. VCF-style: chrX-67721935-C-A. GRCh37 (hg19) VCF-style: chrX-66941777-C-A.
Other names: c.825C>A, p.Cys275Ter (NM_001011645.3); short protein forms C275*, C807*.
Identifiers: ClinVar variation 3756727 (VCV003756727.2).

ClinVar aggregate classification (germline): Pathogenic (1 of 4 stars; one submission).

Conditions:
Kennedy disease (SMAX1). Also called: SPINAL AND BULBAR MUSCULAR ATROPHY, X-LINKED 1; KENNEDY SPINAL AND BULBAR MUSCULAR ATROPHY; Spinal and Bulbar Muscular Atrophy. Identifiers: Orphanet 481, MedGen C1839259, MONDO:0010735, OMIM 313200.
Androgen resistance syndrome (AIS). Also called: ANDROGEN RECEPTOR DEFICIENCY; DIHYDROTESTOSTERONE RECEPTOR DEFICIENCY; TESTICULAR FEMINIZATION SYNDROME; Androgen insensitivity syndrome; Androgen insensitivity; DHTR DEFICIENCY. Identifiers: Orphanet 754, Orphanet 99429, MedGen C0039585, MONDO:0019154, OMIM 300068. Disease mechanism: loss of function.

Submission:

Labcorp Genetics (formerly Invitae), Labcorp
Classification: Pathogenic for Kennedy disease; Androgen resistance syndrome. Last evaluated: 2024-06-08. Review status: criteria provided, single submitter. Criteria: Invitae Variant Classification Sherloc (09022015). Collection method: clinical testing. Allele origin: germline.
Comment: This sequence change creates a premature translational stop signal (p.Cys807*) in the AR gene. It is expected to result in an absent or disrupted protein product. Loss-of-function variants in AR are known to be pathogenic (PMID: 19463997). This variant is not present in population databases (gnomAD no frequency). This variant has not been reported in the literature in individuals affected with AR-related conditions. For these reasons, this variant has been classified as Pathogenic.

Literature cited by the submitters: PubMed 19463997.